The following is an entry in ClinVar:

NM_000216.4(ANOS1):c.1A>G (p.Met1Val)

Gene: ANOS1 (anosmin 1; minus strand). Cytogenetic location: Xp22.31.
Variant type: single nucleotide variant.
Coding change: c.1A>G on transcript NM_000216.4 (MANE Select); coding-DNA position 1, A replaced by G.
Protein change: p.Met1Val; changes the start codon (methionine 1).
Molecular consequence: missense variant, initiator codon variant.
Genome position (GRCh38, 1-based): chrX:8,732,036, T>C on the plus strand (A>G on the coding strand, the complement: ANOS1 is on the minus strand). VCF-style: chrX-8732036-T-C. GRCh37 (hg19) VCF-style: chrX-8700077-T-C.
Other names: c.1A>G (NM_000216.3); short protein forms M1V.
Identifiers: ClinVar variation 140614 (VCV000140614.5), dbSNP rs606231409, ClinGen allele CA270002.
Genomic context (GRCh38, chrX:8,732,036, plus strand): 5'-CGCTGGAGGCCGCCAGCCAGAGGCAGAGGGTCAGGACCGCGCCGGGCACCCCGGGCACCA[T>C]GGCTGCGGGTCGAGGGCGAGGGCGAGGGCGCCGGGCGCGGGCCGAGGCTCCCTGCTCCGC-3'
Protein context (NP_000207.2, residues 1-11): [Met1Val]VPGVPGAVLT

ClinVar aggregate classification (germline): Pathogenic. Review status: criteria provided, single submitter (1 of 4 stars). 2 submissions from 2 submitters: Pathogenic (1). 1 of the submissions does not count toward it. Last evaluated 2023-09-29.

Conditions:
ANOS1-related disorder. Also called: ANOS1-related condition.
Hypogonadotropic hypogonadism 1 with or without anosmia (HH1). Also called: DYSPLASIA OLFACTOGENITALIS OF DE MORSIER; HYPOGONADOTROPIC HYPOGONADISM AND ANOSMIA; HYPOGONADOTROPIC HYPOGONADISM 1 WITH ANOSMIA; KAL1-Related GnRH Deficiency (Kallmann Syndrome 1; Kallmann Syndrome, X-Linked); Kallmann syndrome, type 1, X-linked; Hypogonadotropic hypogonadism 1 with or without anosmia (Kallmann syndrome 1). Identifiers: Orphanet 478, MedGen C1563719, MONDO:0010635, OMIM 308700. Disease mechanism: loss of function.

Allele frequency attached by ClinVar (database versions not stated): gnomAD exomes below 0.00001.

Submissions (2):

PreventionGenetics, part of Exact Sciences
Classification: Pathogenic for ANOS1-related condition. Last evaluated: 2023-09-29. Review status: criteria provided, single submitter. Criteria: ACMG Guidelines, 2015. Collection method: clinical testing. Allele origin: germline.
Comment: The ANOS1 c.1A>G variant is predicted to disrupt the translation initiation site (p.Met1?). This variant was previously reported in the hemizygous state in individuals with congenital hypogonadotropic hypogonadism/Kallmann syndrome (see, for example, Nair et al. 2016. PubMed ID: 26708526, figure 1, family 2; Amato et al. 2019. PubMed ID: 31200363). This variant has not been reported in a large population database, indicating this variant is rare. This variant is interpreted as pathogenic.

Endocrinology Clinic, Seth G.S. Medical College
Classification: Pathogenic for Isolated hypogonadotropic hypogonadism. Last evaluated: 2013-05-01. Review status: no assertion criteria provided. Collection method: research. Allele origin: germline. Inheritance: X-linked recessive inheritance. Affected: yes. Observed: 2 variant alleles, 2 homozygotes. Clinical features observed: Anosmia. Not counted in ClinVar's aggregate classification.

Literature cited by the submitters: PubMed 23533228 (cited by Endocrinology Clinic, Seth G.S. Medical College).